The following is an entry in ClinVar:

ClinVar aggregate classification (germline): Uncertain significance. Review status: criteria provided, multiple submitters, no conflicts (2 of 4 stars). 3 submissions from 3 submitters: Uncertain significance (3). Last evaluated 2025-05-22.

Conditions:
Alstrom syndrome (ALMS). Identifiers: Orphanet 64, MedGen C0268425, MONDO:0008763, OMIM 203800.

gnomAD v4.1: 3 of 1,614,174 alleles (0.00019%); highest among the groups gnomAD compares: Admixed American, 0.0017%; no homozygotes.

Submissions (3):

Women's Health and Genetics/Laboratory Corporation of America, LabCorp
Classification: Uncertain significance. Last evaluated: 2025-05-22. Review status: criteria provided, single submitter. Criteria: LabCorp Variant Classification Summary - May 2015. Collection method: clinical testing. Allele origin: germline.

Labcorp Genetics (formerly Invitae), Labcorp
Classification: Uncertain significance for Alstrom syndrome. Last evaluated: 2022-07-25. Review status: criteria provided, single submitter. Criteria: Invitae Variant Classification Sherloc (09022015). Collection method: clinical testing. Allele origin: germline.
Comment: This sequence change replaces asparagine, which is neutral and polar, with lysine, which is basic and polar, at codon 3977 of the ALMS1 protein (p.Asn3977Lys). This variant is present in population databases (rs571782143, gnomAD 0.003%). This variant has not been reported in the literature in individuals affected with ALMS1-related conditions. Experimental studies and prediction algorithms are not available or were not evaluated, and the functional significance of this variant is currently unknown. In summary, the available evidence is currently insufficient to determine the role of this variant in disease. Therefore, it has been classified as a Variant of Uncertain Significance.

GeneDx
Classification: Uncertain significance. Last evaluated: 2022-04-05. Review status: criteria provided, single submitter. Criteria: GeneDx Variant Classification Process June 2021. Collection method: clinical testing. Allele origin: germline. Affected: yes.
Comment: Not observed at significant frequency in large population cohorts (gnomAD); In silico analysis supports that this missense variant has a deleterious effect on protein structure/function; Has not been previously published as pathogenic or benign to our knowledge

NM_001378454.1(ALMS1):c.11928C>A (p.Asn3976Lys)

Genes: ALMS1 (ALMS1 centrosome and basal body associated protein; plus strand), LOC126806252 (BRD4-independent group 4 enhancer GRCh37_chr2:73828496-73829695; plus strand). Cytogenetic location: 2p13.1.
Variant type: single nucleotide variant.
Coding change: c.11928C>A on transcript NM_001378454.1 (MANE Select); coding-DNA position 11928, C replaced by A.
Protein change: p.Asn3976Lys; replaces asparagine 3976 with lysine.
Molecular consequence: missense variant.
Genome position (GRCh38, 1-based): chr2:73,601,250, C>A. VCF-style: chr2-73601250-C-A. GRCh37 (hg19) VCF-style: chr2-73828377-C-A.
Other names: c.11931C>A, p.Asn3977Lys (NM_015120.4); short protein forms N3976K, N3977K.
Identifiers: ClinVar variation 1708856 (VCV001708856.5), dbSNP rs571782143, ClinGen allele CA1715382.